The following is an entry in ClinVar:

NM_000245.4(MET):c.3876A>G (p.Ile1292Met)

Gene: MET (MET proto-oncogene, receptor tyrosine kinase; plus strand). Cytogenetic location: 7q31.2.
Variant type: single nucleotide variant.
Coding change: c.3876A>G on transcript NM_000245.4 (MANE Select); coding-DNA position 3876, A replaced by G.
Protein change: p.Ile1292Met; replaces isoleucine 1292 with methionine.
Molecular consequence: missense variant.
Genome position (GRCh38, 1-based): chr7:116,795,732, A>G. VCF-style: chr7-116795732-A-G. GRCh37 (hg19) VCF-style: chr7-116435786-A-G.
Other names: c.3930A>G (LRG_662t1); c.3930A>G, p.Ile1310Met (NM_001127500.3); c.2586A>G, p.Ile862Met (NM_001324402.2); short protein forms I1310M, I862M, I1292M.
Identifiers: ClinVar variation 188064 (VCV000188064.11), dbSNP rs786204044, ClinGen allele CA333953.

ClinVar aggregate classification (germline): Uncertain significance. Review status: criteria provided, multiple submitters, no conflicts (2 of 4 stars). 2 submissions from 2 submitters: Uncertain significance (2). Last evaluated 2025-12-06.

Conditions:
Renal cell carcinoma. Identifiers: Orphanet 217071, MedGen C0007134, MeSH D002292, MONDO:0005086, HP:0005584.
Hereditary cancer-predisposing syndrome. Also called: Neoplastic Syndromes, Hereditary; Tumor predisposition; Hereditary Cancer Syndrome; Hereditary neoplastic syndrome. Identifiers: Orphanet 140162, MedGen C0027672, MeSH D009386, MONDO:0015356.

Allele frequency attached by ClinVar (database versions not stated): gnomAD exomes below 0.00001.
gnomAD v4.1: 1 of 1,614,126 alleles (0.000062%); highest among the groups gnomAD compares: African/African-American, 0.0013%; no homozygotes.

Submissions (2):

Labcorp Genetics (formerly Invitae), Labcorp
Classification: Uncertain significance for Renal cell carcinoma. Last evaluated: 2025-12-06. Review status: criteria provided, single submitter. Criteria: Invitae Variant Classification Sherloc (09022015). Collection method: clinical testing. Allele origin: germline.
Comment: This sequence change replaces isoleucine, which is neutral and non-polar, with methionine, which is neutral and non-polar, at codon 1310 of the MET protein (p.Ile1310Met). This variant is present in population databases (rs786204044, gnomAD 0.007%). This variant has not been reported in the literature in individuals affected with MET-related conditions. ClinVar contains an entry for this variant (Variation ID: 188064). Invitae Evidence Modeling of protein sequence and biophysical properties (such as structural, functional, and spatial information, amino acid conservation, physicochemical variation, residue mobility, and thermodynamic stability) indicates that this missense variant is not expected to disrupt MET protein function with a negative predictive value of 80%. In summary, the available evidence is currently insufficient to determine the role of this variant in disease. Therefore, it has been classified as a Variant of Uncertain Significance.

Ambry Genetics
Classification: Uncertain significance for Hereditary cancer-predisposing syndrome. Last evaluated: 2023-05-16. Review status: criteria provided, single submitter. Criteria: Ambry Variant Classification Scheme 2023. Collection method: clinical testing. Allele origin: germline.
Comment: The p.I1310M variant (also known as c.3930A>G), located in coding exon 19 of the MET gene, results from an A to G substitution at nucleotide position 3930. The isoleucine at codon 1310 is replaced by methionine, an amino acid with highly similar properties. This amino acid position is highly conserved in available vertebrate species. In addition, this alteration is predicted to be deleterious by in silico analysis. Since supporting evidence is limited at this time, the clinical significance of this alteration remains unclear.